The following is an entry in ClinVar:

ClinVar aggregate classification (germline): Uncertain significance (1 of 4 stars; one submission).

Conditions:
Carnitine palmitoyl transferase 1A deficiency. Also called: CPT I DEFICIENCY; CPT DEFICIENCY, HEPATIC, TYPE I; Carnitine palmitoyltransferase type I deficiency; Carnitine palmitoyltransferase 1A deficiency; CPT deficiency, hepatic, type IA. Identifiers: Orphanet 156, MedGen C1829703, MONDO:0009705, OMIM 255120.

Allele frequency attached by ClinVar (database versions not stated): gnomAD exomes below 0.00001; TOPMed below 0.00001.

Submission:

Labcorp Genetics (formerly Invitae), Labcorp
Classification: Uncertain significance for Carnitine palmitoyl transferase 1A deficiency. Last evaluated: 2022-03-01. Review status: criteria provided, single submitter. Criteria: Invitae Variant Classification Sherloc (09022015). Collection method: clinical testing. Allele origin: germline.
Comment: This sequence change replaces methionine, which is neutral and non-polar, with isoleucine, which is neutral and non-polar, at codon 153 of the CPT1A protein (p.Met153Ile). This variant is not present in population databases (gnomAD no frequency). This variant has not been reported in the literature in individuals affected with CPT1A-related conditions. Algorithms developed to predict the effect of missense changes on protein structure and function (SIFT, PolyPhen-2, Align-GVGD) all suggest that this variant is likely to be tolerated. In summary, the available evidence is currently insufficient to determine the role of this variant in disease. Therefore, it has been classified as a Variant of Uncertain Significance.

NM_001876.4(CPT1A):c.459G>A (p.Met153Ile)

Gene: CPT1A (carnitine palmitoyltransferase 1A; minus strand). Cytogenetic location: 11q13.3.
Variant type: single nucleotide variant.
Coding change: c.459G>A on transcript NM_001876.4 (MANE Select); coding-DNA position 459, G replaced by A.
Protein change: p.Met153Ile; replaces methionine 153 with isoleucine.
Molecular consequence: missense variant.
Genome position (GRCh38, 1-based): chr11:68,804,096, C>T on the plus strand (G>A on the coding strand, the complement: CPT1A is on the minus strand). VCF-style: chr11-68804096-C-T. GRCh37 (hg19) VCF-style: chr11-68571564-C-T.
Other names: c.459G>A, p.Met153Ile (NM_001031847.3); short protein forms M153I.
Identifiers: ClinVar variation 2181772 (VCV002181772.1), dbSNP rs1855980147, ClinGen allele CA381636144.